The following is an entry in ClinVar:

NM_000352.6(ABCC8):c.1252T>C (p.Cys418Arg)

Gene: ABCC8 (ATP binding cassette subfamily C member 8; minus strand). Cytogenetic location: 11p15.1.
Variant type: single nucleotide variant.
Coding change: c.1252T>C on transcript NM_000352.6 (MANE Select); coding-DNA position 1252, T replaced by C.
Protein change: p.Cys418Arg; replaces cysteine 418 with arginine.
Molecular consequence: missense variant. On other transcripts: non-coding transcript variant (1).
Genome position (GRCh38, 1-based): chr11:17,448,596, A>G on the plus strand (T>C on the coding strand, the complement: ABCC8 is on the minus strand). VCF-style: chr11-17448596-A-G. GRCh37 (hg19) VCF-style: chr11-17470143-A-G.
Other names: c.1252T>C, p.Cys418Arg (NM_001287174.3, NM_001351295.2); c.1249T>C, p.Cys417Arg (NM_001351296.2, NM_001351297.2); short protein forms C418R, C417R.
Identifiers: ClinVar variation 210067 (VCV000210067.44), dbSNP rs67254669, ClinGen allele CA205176.

ClinVar aggregate classification (germline): Conflicting classifications of pathogenicity. Review status: criteria provided, conflicting classifications (1 of 4 stars). 21 submissions from 18 submitters: Uncertain significance (14); Benign (2); Likely benign (2). 3 of the submissions do not count toward it. Last evaluated 2026-04-13.

Conditions:
Hereditary hyperinsulinism.
Hyperinsulinemic hypoglycemia, familial, 1 (HHF1). Also called: Persistent Hyperinsulinemia Hypoglycemia of Infancy; HYPERINSULINISM, FAMILIAL, WITH PANCREATIC NESIDIOBLASTOSIS; HYPOGLYCEMIA, HYPERINSULINEMIC, OF INFANCY; NESIDIOBLASTOSIS OF PANCREAS; Persistent hyperinsulinemic hypoglycemia of infancy. Identifiers: Orphanet 276575, Orphanet 276598, MedGen C2931832, MONDO:0009734, OMIM 256450.
Diabetes mellitus, transient neonatal, 2 (TNDM2). Identifiers: Orphanet 99886, MedGen C1835887, MONDO:0012480, OMIM 610374. Disease mechanism: loss of function.
Type 2 diabetes mellitus. Also called: Type II diabetes mellitus. Identifiers: MedGen C0011860, MeSH D003924, MONDO:0005148, OMIM 125853, HP:0005978.
Leucine-induced hypoglycemia (LIH). Also called: LEUCINE-SENSITIVE HYPOGLYCEMIA OF INFANCY. Identifiers: MedGen C0271714, MONDO:0009415, OMIM 240800.
Diabetes mellitus, permanent neonatal 3. Also called: ABCC8-Related Permanent Neonatal Diabetes Mellitus. Identifiers: MedGen C5394303, MONDO:0030088, OMIM 618857.
ABCC8-related disorder.
Permanent neonatal diabetes mellitus (PNDM). Identifiers: Orphanet 99885, MedGen C1833104, MONDO:0100164, MONDO:0011643. Disease mechanism: gain of function.
Pulmonary arterial hypertension. Identifiers: Orphanet 182090, MedGen C2973725, MeSH D000081029, MONDO:0015924, HP:0002092.
Hypoglycemia. Identifiers: MedGen C0020615, MONDO:0004946, HP:0001943.

Allele frequency attached by ClinVar (database versions not stated): TOPMed 0.00058; 1000 Genomes Project 30x 0.00062; ExAC 0.00064; gnomAD exomes 0.00069; gnomAD 0.00072 and 0.00073; 1000 Genomes Project 0.00080; ESP Exome Variant Server 0.00100.
gnomAD v4.1: 1,493 of 1,614,244 alleles (0.092%); highest among the groups gnomAD compares: Non-Finnish European, 0.11%; 1 homozygote.

Submissions 1 to 6 of 21:

Women's Health and Genetics/Laboratory Corporation of America, LabCorp
Classification: Uncertain significance. Last evaluated: 2026-04-13. Review status: criteria provided, single submitter. Criteria: LabCorp Variant Classification Summary - May 2015. Collection method: clinical testing. Allele origin: germline.
Comment: Variant summary: ABCC8 c.1252T>C (p.Cys418Arg) results in a non-conservative amino acid change located in the ABC transporter type 1, transmembrane domain (IPR011527) of the encoded protein sequence. Algorithms developed to predict the effect of missense changes on protein structure and function all suggest that this variant is likely to be disruptive. The variant allele was found at a frequency of 0.00069 in 251488 control chromosomes (gnomAD). This frequency is not significantly higher than estimated for disease-causing variants in ABCC8, allowing no conclusion about variant significance. c.1252T>C has been reported in patients with congenital hyperinsulinism (CHI) in the heterozygous state, without strong evidence for causality (e.g. Aguilar-Bryan_1999, Kapoor_2013, Snider_2013). An additional occurrence was reported in a patient with atypical Fanconi-Bickel syndrome (hyperinsulinemia compared to the typical diminished insulin secretion), who also carried known pathogenic mutations in SLC2A2; the mother was also a carrier of the variant and had no history of hypoglycemia therefore, allowing no conclusions about variant significance (Hoffman_2007). Additionally, p.C418R was reported as maternally inherited in a case of focal hyperinsulinemia (Otonkoski_2006). In this patient, the authors concluded that since the variant was apparently not expressed within the focal lesion it is likely not of functional importance. Lastly, the variant was detected in patients with MODY (Ozdemir_2018, Ates_2021, Demirci_2021), while it was also reported in association with type 2 diabetes (Riveline_2012, Mahajan_2018, Kim_2020). To our knowledge, no experimental evidence demonstrating an impact on protein function has been reported. The following publications have been ascertained in the context of this evaluation (PMID: 10204114, 34462253, 34171966, 32041611, 16416420, 17539904, 23345197, 32640185, 30297969, 16380471, 30447144, 22210575, 10685980, 23275527, 31604004, 20849526). ClinVar contains an entry for this variant (Variation ID: 210067). Based on the evidence outlined above, the variant was classified as uncertain significance.

GeneDx
Classification: Uncertain significance. Last evaluated: 2025-08-23. Review status: criteria provided, single submitter. Criteria: GeneDx Variant Classification Process June 2021. Collection method: clinical testing. Allele origin: germline. Affected: yes.
Comment: Observed in the heterozygous state in unrelated probands with neonatal diabetes, type 2 diabetes, hyperinsulinism, or suspected MODY who were tested at GeneDx and reported in the published literature, but familial segregation information was not available in most cases (PMID: 22210575, 23275527, 23345197, 30447144, 34171966, 34462253, 40605820); In silico analysis suggests that this missense variant does not alter protein structure/function; This variant is associated with the following publications: (PMID: 2165579, 17539904, 22210575, 16380471, 10204114, 30447144, 32640185, 32763092, 23275527, 30297969, 23345197, 32041611, 34426522, 34462253, 33108363, 31604004, 20849526, 18596924, 39342034, 40338033, 40605820, Uygun2025[CaseReport], 34171966)

Athena Diagnostics
Classification: Uncertain significance. Last evaluated: 2025-03-03. Review status: criteria provided, single submitter. Criteria: Athena Diagnostics Criteria. Collection method: clinical testing. Allele origin: unknown.
Comment: Available data are insufficient to determine the clinical significance of the variant at this time. The frequency of this variant in the general population is higher than would generally be expected for pathogenic variants in this gene. In our internal patient population, this variant is statistically more frequent than in the general population, which is weak evidence this variant may be disease causing. Polyphen and MutationTaster yielded discordant predictions regarding whether this amino acid change is damaging to the protein.

Labcorp Genetics (formerly Invitae), Labcorp
Classification: Uncertain significance. Last evaluated: 2025-01-05. Review status: criteria provided, single submitter. Criteria: Invitae Variant Classification Sherloc (09022015). Collection method: clinical testing. Allele origin: germline.
Comment: This sequence change replaces cysteine, which is neutral and slightly polar, with arginine, which is basic and polar, at codon 418 of the ABCC8 protein (p.Cys418Arg). This variant is present in population databases (rs67254669, gnomAD 0.1%), and has an allele count higher than expected for a pathogenic variant. This missense change has been observed in individual(s) with autosomal dominant congenital hyperinsulinism and/or clinical features of ABCC8-related conditions (PMID: 22210575, 23345197, 30447144, 34462253). ClinVar contains an entry for this variant (Variation ID: 210067). Invitae Evidence Modeling of protein sequence and biophysical properties (such as structural, functional, and spatial information, amino acid conservation, physicochemical variation, residue mobility, and thermodynamic stability) has been performed for this missense variant. However, the output from this modeling did not meet the statistical confidence thresholds required to predict the impact of this variant on ABCC8 protein function. In summary, the available evidence is currently insufficient to determine the role of this variant in disease. Therefore, it has been classified as a Variant of Uncertain Significance.

Blueprint Genetics
Classification: Uncertain significance. Last evaluated: 2024-10-03. Review status: criteria provided, single submitter. Criteria: ACMG Guidelines, 2015. Collection method: clinical testing. Allele origin: germline.

Fulgent Genetics
Classification: Likely benign for Type 2 diabetes mellitus; Leucine-induced hypoglycemia; Hyperinsulinemic hypoglycemia, familial, 1; Diabetes mellitus, transient neonatal, 2; Diabetes mellitus, permanent neonatal 3. Last evaluated: 2024-05-16. Review status: criteria provided, single submitter. Criteria: ACMG Guidelines, 2015. Collection method: clinical testing. Allele origin: germline.